The following is an entry in ClinVar:

ClinVar aggregate classification (germline): Uncertain significance (1 of 4 stars; one submission).

gnomAD v4.1: 1 of 1,614,114 alleles (0.000062%); highest among the groups gnomAD compares: Non-Finnish European, 0.000085%; no homozygotes.

Submission:

Labcorp Genetics (formerly Invitae), Labcorp
Classification: Uncertain significance. Last evaluated: 2023-10-29. Review status: criteria provided, single submitter. Criteria: Invitae Variant Classification Sherloc (09022015). Collection method: clinical testing. Allele origin: germline.
Comment: This sequence change replaces glutamic acid, which is acidic and polar, with glutamine, which is neutral and polar, at codon 456 of the SLC16A1 protein (p.Glu456Gln). This variant is present in population databases (no rsID available, gnomAD 0.0009%). This variant has not been reported in the literature in individuals affected with SLC16A1-related conditions. Algorithms developed to predict the effect of missense changes on protein structure and function output the following: SIFT: "Not Available"; PolyPhen-2: "Benign"; Align-GVGD: "Not Available". The glutamine amino acid residue is found in multiple mammalian species, which suggests that this missense change does not adversely affect protein function. In summary, the available evidence is currently insufficient to determine the role of this variant in disease. Therefore, it has been classified as a Variant of Uncertain Significance.

NM_003051.4(SLC16A1):c.1366G>C (p.Glu456Gln)

Gene: SLC16A1 (solute carrier family 16 member 1; minus strand). Cytogenetic location: 1p13.2.
Variant type: single nucleotide variant.
Coding change: c.1366G>C on transcript NM_003051.4 (MANE Select); coding-DNA position 1366, G replaced by C.
Protein change: p.Glu456Gln; replaces glutamic acid 456 with glutamine.
Molecular consequence: missense variant.
Genome position (GRCh38, 1-based): chr1:112,914,028, C>G on the plus strand (G>C on the coding strand, the complement: SLC16A1 is on the minus strand). VCF-style: chr1-112914028-C-G. GRCh37 (hg19) VCF-style: chr1-113456650-C-G.
Other names: c.1366G>C, p.Glu456Gln (NM_001166496.2); short protein forms E456Q.
Identifiers: ClinVar variation 2972559 (VCV002972559.3), dbSNP rs957406167, ClinGen allele CA29390620.
Genomic context (GRCh38, chr1:112,914,028, plus strand): 5'-CATTTGGCTTCCCAGCAACATCTATACTGGTCTCTTCCTCTTTACTTTCCTTTTTCTGCT[C>G]GTTTGCTTTCTGTTCTTTTGCCAAAAGTCGATAATTGATGCCCATGCCAATGAAGAGATA-3'
Protein context (NP_003042.3, residues 446-466): RLLAKEQKAN[Glu456Gln]QKKESKEEET